The following is an entry in ClinVar:

ClinVar aggregate classification (germline): Uncertain significance (1 of 4 stars; one submission).

Submission:

Ambry Genetics
Classification: Uncertain significance. Last evaluated: 2025-06-22. Review status: criteria provided, single submitter. Criteria: Ambry Variant Classification Scheme 2023. Collection method: clinical testing. Allele origin: germline.
Comment: The p.H387Y variant (also known as c.1159C>T), located in coding exon 8 of the RNF43 gene, results from a C to T substitution at nucleotide position 1159. The histidine at codon 387 is replaced by tyrosine, an amino acid with similar properties. This amino acid position is conserved. In addition, this alteration is predicted to be tolerated by in silico analysis. Based on the available evidence, the clinical significance of this variant remains unclear.

NM_017763.6(RNF43):c.1159C>T (p.His387Tyr)

Gene: RNF43 (ring finger protein 43; minus strand). Cytogenetic location: 17q22.
Variant type: single nucleotide variant.
Coding change: c.1159C>T on transcript NM_017763.6 (MANE Select); coding-DNA position 1159, C replaced by T.
Protein change: p.His387Tyr; replaces histidine 387 with tyrosine.
Molecular consequence: missense variant.
Genome position (GRCh38, 1-based): chr17:58,358,617, G>A on the plus strand (C>T on the coding strand, the complement: RNF43 is on the minus strand). VCF-style: chr17-58358617-G-A. GRCh37 (hg19) VCF-style: chr17-56435978-G-A.
Other names: c.1159C>T, p.His387Tyr (NM_001438821.1, NM_001438822.1, NM_001305544.3 and 1 more transcripts); c.778C>T, p.His260Tyr (NM_001305545.2, NM_001437987.1); short protein forms H260Y, H387Y.
Identifiers: ClinVar variation 4155728 (VCV004155728.1).